The following is an entry in ClinVar:

ClinVar aggregate classification (germline): Uncertain significance (1 of 4 stars; one submission).

Conditions:
Juvenile polyposis syndrome (JPS). Identifiers: Orphanet 2929, MedGen C0345893, MONDO:0017380, OMIM 174900.

Submission:

Labcorp Genetics (formerly Invitae), Labcorp
Classification: Uncertain significance for Juvenile polyposis syndrome. Last evaluated: 2022-03-23. Review status: criteria provided, single submitter. Criteria: Invitae Variant Classification Sherloc (09022015). Collection method: clinical testing. Allele origin: germline.
Comment: In summary, the available evidence is currently insufficient to determine the role of this variant in disease. Therefore, it has been classified as a Variant of Uncertain Significance. Variants that disrupt the consensus splice site are a relatively common cause of aberrant splicing (PMID: 17576681, 9536098). Algorithms developed to predict the effect of sequence changes on RNA splicing suggest that this variant may disrupt the consensus splice site. This variant has not been reported in the literature in individuals affected with SMAD4-related conditions. This variant is not present in population databases (gnomAD no frequency). This sequence change falls in intron 5 of the SMAD4 gene. It does not directly change the encoded amino acid sequence of the SMAD4 protein. It affects a nucleotide within the consensus splice site.

Literature cited by the submitters: PubMed 17576681; PubMed 9536098.

NM_005359.6(SMAD4):c.667+6T>A

Gene: SMAD4 (SMAD family member 4; plus strand). Cytogenetic location: 18q21.2.
Variant type: single nucleotide variant.
Coding change: c.667+6T>A on transcript NM_005359.6 (MANE Select); 6 bases into the intron after coding-DNA position 667, T replaced by A.
Molecular consequence: intron variant.
Genome position (GRCh38, 1-based): chr18:51,054,999, T>A. VCF-style: chr18-51054999-T-A. GRCh37 (hg19) VCF-style: chr18-48581369-T-A.
Identifiers: ClinVar variation 2115933 (VCV002115933.4), dbSNP rs1060500745, ClinGen allele CA2580095895.